The following is an entry in ClinVar:

NM_031372.4(HNRNPDL):c.158G>A (p.Gly53Glu)

Gene: HNRNPDL (heterogeneous nuclear ribonucleoprotein D like; minus strand). Cytogenetic location: 4q21.22.
Variant type: single nucleotide variant.
Coding change: c.158G>A on transcript NM_031372.4 (MANE Select); coding-DNA position 158, G replaced by A.
Protein change: p.Gly53Glu; replaces glycine 53 with glutamic acid.
Molecular consequence: missense variant. On other transcripts: non-coding transcript variant (1).
Genome position (GRCh38, 1-based): chr4:82,429,533, C>T on the plus strand (G>A on the coding strand, the complement: HNRNPDL is on the minus strand). VCF-style: chr4-82429533-C-T. GRCh37 (hg19) VCF-style: chr4-83350686-C-T.
Other names: c.158G>A, p.Gly53Glu (NM_001207000.1); c.158G>A (NM_031372.3); short protein forms G53E.
Identifiers: ClinVar variation 1425931 (VCV001425931.9), dbSNP rs914053364, ClinGen allele CA100599360.

ClinVar aggregate classification (germline): Uncertain significance. Review status: criteria provided, multiple submitters, no conflicts (2 of 4 stars). 2 submissions from 2 submitters: Uncertain significance (2). Last evaluated 2025-08-02.

Conditions:
Autosomal dominant limb-girdle muscular dystrophy type 1G (LGMDD3). Also called: Limb-girdle muscular dystrophy, type 1G; MUSCULAR DYSTROPHY, LIMB-GIRDLE, AUTOSOMAL DOMINANT 3. Identifiers: Orphanet 55596, MedGen C1836765, MONDO:0012193, OMIM 609115.

Allele frequency attached by ClinVar (database versions not stated): gnomAD 0.00001.
gnomAD v4.1: 8 of 1,481,170 alleles (0.00054%); highest among the groups gnomAD compares: South Asian, 0.0013%; no homozygotes.

Submissions (2):

Ambry Genetics
Classification: Uncertain significance. Last evaluated: 2025-08-02. Review status: criteria provided, single submitter. Criteria: Ambry Variant Classification Scheme 2023. Collection method: clinical testing. Allele origin: germline.

Labcorp Genetics (formerly Invitae), Labcorp
Classification: Uncertain significance for Autosomal dominant limb-girdle muscular dystrophy type 1G. Last evaluated: 2022-10-04. Review status: criteria provided, single submitter. Criteria: Invitae Variant Classification Sherloc (09022015). Collection method: clinical testing. Allele origin: germline.
Comment: In summary, the available evidence is currently insufficient to determine the role of this variant in disease. Therefore, it has been classified as a Variant of Uncertain Significance. Algorithms developed to predict the effect of missense changes on protein structure and function are either unavailable or do not agree on the potential impact of this missense change (SIFT: "Deleterious"; PolyPhen-2: "Probably Damaging"; Align-GVGD: "Class C0"). This sequence change replaces glycine, which is neutral and non-polar, with glutamic acid, which is acidic and polar, at codon 53 of the HNRNPDL protein (p.Gly53Glu). This variant is not present in population databases (gnomAD no frequency). This variant has not been reported in the literature in individuals affected with HNRNPDL-related conditions. ClinVar contains an entry for this variant (Variation ID: 1425931).